The following is an entry in ClinVar:

NM_000384.3(APOB):c.667A>G (p.Ser223Gly)

Gene: APOB (apolipoprotein B; minus strand). Cytogenetic location: 2p24.1.
Variant type: single nucleotide variant.
Coding change: c.667A>G on transcript NM_000384.3 (MANE Select); coding-DNA position 667, A replaced by G.
Protein change: p.Ser223Gly; replaces serine 223 with glycine.
Molecular consequence: missense variant.
Genome position (GRCh38, 1-based): chr2:21,037,126, T>C on the plus strand (A>G on the coding strand, the complement: APOB is on the minus strand). VCF-style: chr2-21037126-T-C. GRCh37 (hg19) VCF-style: chr2-21259998-T-C.
Other names: short protein forms S223G.
Identifiers: ClinVar variation 4086543 (VCV004086543.2).
Genomic context (GRCh38, chr2:21,037,126, plus strand): 5'-TTGCTGTGCACGACAGTGCTGACATGGGACTTACCATGCCTTTGATGAGAGCAAGTGGGC[T>C]GATGCCTGTGCGGATGGGCTTGAAGCGATCACACTGCCCCAGGTCTCTTTCAGTGGATAT-3'
Protein context (NP_000375.3, residues 213-233): DRFKPIRTGI[Ser223Gly]PLALIKGMTR

ClinVar aggregate classification (germline): Uncertain significance. Review status: criteria provided, multiple submitters, no conflicts (2 of 4 stars). 2 submissions from 2 submitters: Uncertain significance (2). Last evaluated 2025-09-03.

Conditions:
Cardiovascular phenotype. Identifiers: MedGen CN230736.

Submissions (2):

Ambry Genetics
Classification: Uncertain significance for Cardiovascular phenotype. Last evaluated: 2025-09-03. Review status: criteria provided, single submitter. Criteria: Ambry Variant Classification Scheme 2023. Collection method: clinical testing. Allele origin: germline.
Comment: The p.S223G variant (also known as c.667A>G), located in coding exon 6 of the APOB gene, results from an A to G substitution at nucleotide position 667. The serine at codon 223 is replaced by glycine, an amino acid with similar properties. This amino acid position is highly conserved in available vertebrate species. In addition, the in silico prediction for this alteration is inconclusive. Based on the available evidence, the clinical significance of this variant remains unclear.

GeneDx
Classification: Uncertain significance. Last evaluated: 2025-03-13. Review status: criteria provided, single submitter. Criteria: GeneDx Variant Classification Process June 2021. Collection method: clinical testing. Allele origin: germline. Affected: yes.
Comment: Not observed at significant frequency in large population cohorts (gnomAD); In silico analysis supports that this missense variant has a deleterious effect on protein structure/function; Has not been previously published as pathogenic or benign to our knowledge; Also known as S196G